The following is an entry in ClinVar:

ClinVar aggregate classification (germline): Uncertain significance (1 of 4 stars; one submission).

Conditions:
Cardiovascular phenotype. Identifiers: MedGen CN230736.

gnomAD v4.1: 2 of 1,613,990 alleles (0.00012%); highest among the groups gnomAD compares: Admixed American, 0.0017%; no homozygotes.

Submission:

Ambry Genetics
Classification: Uncertain significance for Cardiovascular phenotype. Last evaluated: 2024-06-17. Review status: criteria provided, single submitter. Criteria: Ambry Variant Classification Scheme 2023. Collection method: clinical testing. Allele origin: germline.
Comment: The p.V100M variant (also known as c.298G>A), located in coding exon 1 of the KCNE3 gene, results from a G to A substitution at nucleotide position 298. The valine at codon 100 is replaced by methionine, an amino acid with highly similar properties. This amino acid position is conserved. In addition, the in silico prediction for this alteration is inconclusive. Based on the available evidence, the clinical significance of this variant remains unclear.

NM_005472.5(KCNE3):c.298G>A (p.Val100Met)

Gene: KCNE3 (potassium voltage-gated channel subfamily E regulatory subunit 3; minus strand). Cytogenetic location: 11q13.4.
Variant type: single nucleotide variant.
Coding change: c.298G>A on transcript NM_005472.5 (MANE Select); coding-DNA position 298, G replaced by A.
Protein change: p.Val100Met; replaces valine 100 with methionine.
Molecular consequence: missense variant.
Genome position (GRCh38, 1-based): chr11:74,457,266, C>T on the plus strand (G>A on the coding strand, the complement: KCNE3 is on the minus strand). VCF-style: chr11-74457266-C-T. GRCh37 (hg19) VCF-style: chr11-74168311-C-T.
Other names: short protein forms V100M.
Identifiers: ClinVar variation 3287554 (VCV003287554.1).